The following is an entry in ClinVar:

ClinVar aggregate classification (germline): Uncertain significance (1 of 4 stars; one submission).

Conditions:
Glycogen storage disease IXd (GSD9D). Also called: GSD IXd; Muscle Phosphorylase Kinase Deficiency. Identifiers: Orphanet 715, MedGen C1845151, MONDO:0010362, OMIM 300559.

Submission:

Labcorp Genetics (formerly Invitae), Labcorp
Classification: Uncertain significance for Glycogen storage disease IXd. Last evaluated: 2021-06-04. Review status: criteria provided, single submitter. Criteria: Invitae Variant Classification Sherloc (09022015). Collection method: clinical testing. Allele origin: germline.
Comment: This sequence change replaces serine with arginine at codon 105 of the PHKA1 protein (p.Ser105Arg). The serine residue is moderately conserved and there is a moderate physicochemical difference between serine and arginine. This variant is not present in population databases (ExAC no frequency). This variant has not been reported in the literature in individuals with PHKA1-related conditions. Algorithms developed to predict the effect of missense changes on protein structure and function are either unavailable or do not agree on the potential impact of this missense change (SIFT: "Tolerated"; PolyPhen-2: "Possibly Damaging"; Align-GVGD: "Class C0"). In summary, the available evidence is currently insufficient to determine the role of this variant in disease. Therefore, it has been classified as a Variant of Uncertain Significance.

NM_002637.4(PHKA1):c.315T>G (p.Ser105Arg)

Genes: PHKA1 (phosphorylase kinase regulatory subunit alpha 1; minus strand), PHKA1-AS1 (PHKA1 antisense RNA 1; plus strand). Cytogenetic location: Xq13.1.
Variant type: single nucleotide variant.
Coding change: c.315T>G on transcript NM_002637.4 (MANE Select); coding-DNA position 315, T replaced by G.
Protein change: p.Ser105Arg; replaces serine 105 with arginine.
Molecular consequence: missense variant.
Genome position (GRCh38, 1-based): chrX:72,695,847, A>C on the plus strand (T>G on the coding strand, the complement: PHKA1 is on the minus strand). VCF-style: chrX-72695847-A-C. GRCh37 (hg19) VCF-style: chrX-71915697-A-C.
Other names: c.315T>G, p.Ser105Arg (NM_001122670.2, NM_001172436.2); short protein forms S105R.
Identifiers: ClinVar variation 1399172 (VCV001399172.8), dbSNP rs2147825866, ClinGen allele CA413639503.
Genomic context (GRCh38, chrX:72,695,847, plus strand): 5'-CACTACAGTGGCACAGGTTTTGGTGTTGTACTTTGCATGGAGGCTATCCTTAGTACTCTG[A>C]CTATATTTGAAGGATTCTACTTTATCCACCTGAAAAGAACAAAAACATTAAAAGAAGGAT-3'
Protein context (NP_002628.2, residues 95-115): QVDKVESFKY[Ser105Arg]QSTKDSLHAK